The following is an entry in ClinVar:

NM_000059.4(BRCA2):c.6099A>G (p.Ile2033Met)

Gene: BRCA2 (BRCA2 DNA repair associated; plus strand). Cytogenetic location: 13q13.1.
Variant type: single nucleotide variant.
Coding change: c.6099A>G on transcript NM_000059.4 (MANE Select); coding-DNA position 6099, A replaced by G.
Protein change: p.Ile2033Met; replaces isoleucine 2033 with methionine.
Molecular consequence: missense variant.
Genome position (GRCh38, 1-based): chr13:32,340,454, A>G. VCF-style: chr13-32340454-A-G. GRCh37 (hg19) VCF-style: chr13-32914591-A-G.
Other names: short protein forms I2033M.
Identifiers: ClinVar variation 52011 (VCV000052011.20), dbSNP rs80358848, ClinGen allele CA023650.

ClinVar aggregate classification (germline): Conflicting classifications of pathogenicity. Review status: criteria provided, conflicting classifications (1 of 4 stars). 8 submissions from 8 submitters: Uncertain significance (6); Likely benign (1). 1 of the submissions does not count toward it. Last evaluated 2024-05-14.

Conditions:
Hereditary breast ovarian cancer syndrome. Also called: Hereditary breast and ovarian cancer syndrome; Hereditary breast and ovarian cancer; Hereditary breast and ovarian cancer syndrome (HBOC); Breast and ovarian cancer; Hereditary breast and/or ovarian cancer syndrome; BRCA1- and BRCA2-Associated Hereditary Breast and Ovarian Cancer. Identifiers: Orphanet 145, MedGen C0677776, MeSH D061325, MONDO:0003582. Disease mechanism: loss of function.
BRCA2-related disorder. Also called: BRCA2-related condition; BRCA2-related disorders. Identifiers: MedGen CN239275.
Hereditary cancer-predisposing syndrome. Also called: Neoplastic Syndromes, Hereditary; Tumor predisposition; Hereditary neoplastic syndrome; Hereditary Cancer Syndrome. Identifiers: Orphanet 140162, MedGen C0027672, MeSH D009386, MONDO:0015356.
BRCA2-related cancer predisposition. Identifiers: MedGen CN377758, MONDO:0700269.
Breast-ovarian cancer, familial, susceptibility to, 2 (BROVCA2). Also called: BRCA2 Hereditary Breast and Ovarian Cancer. Identifiers: Orphanet 145, MedGen C2675520, MONDO:0012933, OMIM 612555. Disease mechanism: loss of function.

Submissions (8):

All of Us Research Program, National Institutes of Health
Classification: Uncertain significance for BRCA2-related cancer predisposition. Last evaluated: 2024-05-14. Review status: criteria provided, single submitter. Criteria: ACMG Guidelines, 2015. Collection method: clinical testing. Allele origin: germline. Inheritance: Autosomal dominant inheritance. Observed: 1 variant allele, 1 heterozygote.
Comment: This missense variant replaces isoleucine with methionine at codon 2033 of the BRCA2 protein. Computational prediction suggests that this variant may not impact protein structure and function (internally defined REVEL score threshold <= 0.5, PMID: 27666373). To our knowledge, functional studies have not been reported for this variant. This variant has not been reported in individuals affected with hereditary cancer in the literature. This variant has not been identified in the general population by the Genome Aggregation Database (gnomAD). The available evidence is insufficient to determine the role of this variant in disease conclusively. Therefore, this variant is classified as a Variant of Uncertain Significance.

This study involves interpretation of variants in research participants for the purpose of population health screening. Participant phenotype was not available at the time of variant classification. Additional details can be found in publication PMID: 35346344, PMCID: PMC8962531

Color Diagnostics, LLC DBA Color Health
Classification: Uncertain significance for Hereditary cancer-predisposing syndrome. Last evaluated: 2024-04-24. Review status: criteria provided, single submitter. Criteria: ACMG Guidelines, 2015. Collection method: clinical testing. Allele origin: germline.
Comment: This missense variant replaces isoleucine with methionine at codon 2033 of the BRCA2 protein. Computational prediction suggests that this variant may not impact protein structure and function. To our knowledge, functional studies have not been reported for this variant. This variant has been reported in an individual affected with early-onset breast cancer (PMID: 18284688) and in an unaffected individual (PMID: 30287823, 32980694). This variant has not been identified in the general population by the Genome Aggregation Database (gnomAD). The available evidence is insufficient to determine the role of this variant in disease conclusively. Therefore, this variant is classified as a Variant of Uncertain Significance.

GeneDx
Classification: Uncertain significance. Last evaluated: 2024-01-31. Review status: criteria provided, single submitter. Criteria: GeneDx Variant Classification Process June 2021. Collection method: clinical testing. Allele origin: germline. Affected: yes.
Comment: Not observed in any cases but was observed in the unaffected controls in a breast cancer study (PMID: 30287823); Not observed at significant frequency in large population cohorts (gnomAD); In silico analysis supports that this missense variant does not alter protein structure/function; Also known as 6327A>G; This variant is associated with the following publications: (PMID: 29884841, 32377563, 30287823, 36243179)

PreventionGenetics, part of Exact Sciences
Classification: Uncertain significance for BRCA2-related condition. Last evaluated: 2023-10-03. Review status: criteria provided, single submitter. Criteria: ACMG Guidelines, 2015. Collection method: clinical testing. Allele origin: germline.
Comment: The BRCA2 c.6099A>G variant is predicted to result in the amino acid substitution p.Ile2033Met. This variant was reported in at least one individual from a cohort of patients with early-onset breast cancer (Lee et al. 2008. PubMed ID: 18284688). This variant has not been reported in a large population database, indicating it is rare. In ClinVar, this variant is classified as a variant of uncertain significance and likely benign. At this time, the clinical significance of this variant is uncertain due to the absence of conclusive functional and genetic evidence.

University of Washington Department of Laboratory Medicine, University of Washington
Classification: Likely benign for Hereditary cancer-predisposing syndrome. Last evaluated: 2023-03-23. Review status: criteria provided, single submitter. Criteria: Dines et al. (Genet Med. 2020). Collection method: curation. Allele origin: germline.
Comment: Missense variant in a coldspot region where missense variants are very unlikely to be pathogenic (PMID:31911673).

BRCA2 exon 11 coldspot. Reclassification based on statistical prior probability.

Labcorp Genetics (formerly Invitae), Labcorp
Classification: Uncertain significance for Hereditary breast ovarian cancer syndrome. Last evaluated: 2023-02-01. Review status: criteria provided, single submitter. Criteria: Invitae Variant Classification Sherloc (09022015). Collection method: clinical testing. Allele origin: germline.
Comment: ClinVar contains an entry for this variant (Variation ID: 52011). Advanced modeling of protein sequence and biophysical properties (such as structural, functional, and spatial information, amino acid conservation, physicochemical variation, residue mobility, and thermodynamic stability) performed at Invitae indicates that this missense variant is not expected to disrupt BRCA2 protein function. In summary, the available evidence is currently insufficient to determine the role of this variant in disease. Therefore, it has been classified as a Variant of Uncertain Significance. This missense change has been observed in individual(s) with breast cancer (PMID: 18284688). This sequence change replaces isoleucine, which is neutral and non-polar, with methionine, which is neutral and non-polar, at codon 2033 of the BRCA2 protein (p.Ile2033Met). This variant is not present in population databases (gnomAD no frequency).

Ambry Genetics
Classification: Uncertain significance for Hereditary cancer-predisposing syndrome. Last evaluated: 2014-07-11. Review status: criteria provided, single submitter. Criteria: Ambry Variant Classification Scheme 2023. Collection method: clinical testing. Allele origin: germline.
Comment: The p.I2033M variant (also known as c.6099A>G or 6327A>G), located in coding exon 10 of the BRCA2 gene, results from an A to G substitution at nucleotide position 6099. The isoleucine at codon 2033 is replaced by methionine, an amino acid with highly similar properties. This variant was previously reported in the SNPDatabase as rs80358848. This variant was not reported in population-based cohorts in the following databases: NHLBI Exome Sequencing Project (ESP) and 1000 Genomes Project. To date, this alteration has been detected with an allele frequency of approximately 0.006% (greater than 42000 alleles tested) in our clinical cohort (includes this individual). This amino acid position is poorly conserved in available vertebrate species. In addition, this alteration is predicted to be benign and tolerated by PolyPhen and SIFT in silico analyses, respectively. Since supporting evidence is limited at this time, the clinical significance of p.I2033M remains unclear.

Breast Cancer Information Core (BIC) (BRCA2)
Classification: Uncertain significance for Breast-ovarian cancer, familial 2. Last evaluated: 2002-05-29. Review status: no assertion criteria provided. Collection method: clinical testing. Allele origin: germline. Affected: yes. Observed: 1 variant allele. Not counted in ClinVar's aggregate classification.

Literature cited by the submitters: PubMed 18284688 (cited by Color Diagnostics, LLC DBA Color Health and Labcorp Genetics (formerly Invitae), Labcorp); PubMed 30287823 (cited by Color Diagnostics, LLC DBA Color Health); PubMed 32980694 (cited by Color Diagnostics, LLC DBA Color Health).